The following is an entry in ClinVar:

NM_000552.5(VWF):c.6963C>T (p.Pro2321=)

Gene: VWF (von Willebrand factor; minus strand). Cytogenetic location: 12p13.31.
Variant type: single nucleotide variant.
Coding change: c.6963C>T on transcript NM_000552.5 (MANE Select); coding-DNA position 6963, C replaced by T.
Protein change: p.Pro2321=; no amino-acid change (proline 2321 retained).
Molecular consequence: synonymous variant.
Genome position (GRCh38, 1-based): chr12:5,985,058, G>A on the plus strand (C>T on the coding strand, the complement: VWF is on the minus strand). VCF-style: chr12-5985058-G-A. GRCh37 (hg19) VCF-style: chr12-6094224-G-A.
Identifiers: ClinVar variation 3375250 (VCV003375250.1).

ClinVar aggregate classification (germline): Likely benign (1 of 4 stars; one submission).

gnomAD v4.1: 59 of 1,614,028 alleles (0.0037%); highest among the groups gnomAD compares: Admixed American, 0.0067%; no homozygotes.

Submission:

Women's Health and Genetics/Laboratory Corporation of America, LabCorp
Classification: Likely benign. Last evaluated: 2024-09-24. Review status: criteria provided, single submitter. Criteria: LabCorp Variant Classification Summary - May 2015. Collection method: clinical testing. Allele origin: germline.
Comment: Variant summary: VWF c.6963C>T alters a conserved nucleotide resulting in a synonymous change. Consensus agreement among computation tools predict no significant impact on normal splicing. However, these predictions have yet to be confirmed by functional studies. The variant allele was found at a frequency of 6e-05 in 251480 control chromosomes, predominantly at a frequency of 0.00011 within the Non-Finnish European subpopulation in the gnomAD database. This frequency is not significantly higher than estimated for a pathogenic variant in VWF causing Von Willebrand Disease, allowing no conclusion about variant significance. To our knowledge, no occurrence of c.6963C>T in individuals affected with Von Willebrand Disease and no experimental evidence demonstrating its impact on protein function have been reported. No submitters have cited clinical-significance assessments for this variant to ClinVar. Based on the evidence outlined above, the variant was classified as likely benign.